The following is an entry in ClinVar:

ClinVar aggregate classification (germline): Uncertain significance (1 of 4 stars; one submission).

Submission:

Labcorp Genetics (formerly Invitae), Labcorp
Classification: Uncertain significance. Last evaluated: 2022-10-13. Review status: criteria provided, single submitter. Criteria: Invitae Variant Classification Sherloc (09022015). Collection method: clinical testing. Allele origin: germline.
Comment: This sequence change replaces glutamic acid, which is acidic and polar, with lysine, which is basic and polar, at codon 772 of the WHRN protein (p.Glu772Lys). This variant is not present in population databases (gnomAD no frequency). In summary, the available evidence is currently insufficient to determine the role of this variant in disease. Therefore, it has been classified as a Variant of Uncertain Significance. Algorithms developed to predict the effect of missense changes on protein structure and function are either unavailable or do not agree on the potential impact of this missense change (SIFT: "Deleterious"; PolyPhen-2: "Possibly Damaging"; Align-GVGD: "Class C0"). This variant has not been reported in the literature in individuals affected with WHRN-related conditions.

NM_015404.4(WHRN):c.2314G>A (p.Glu772Lys)

Gene: WHRN (whirlin; minus strand). Cytogenetic location: 9q32.
Variant type: single nucleotide variant.
Coding change: c.2314G>A on transcript NM_015404.4 (MANE Select); coding-DNA position 2314, G replaced by A.
Protein change: p.Glu772Lys; replaces glutamic acid 772 with lysine.
Molecular consequence: missense variant.
Genome position (GRCh38, 1-based): chr9:114,404,000, C>T on the plus strand (G>A on the coding strand, the complement: WHRN is on the minus strand). VCF-style: chr9-114404000-C-T. GRCh37 (hg19) VCF-style: chr9-117166280-C-T.
Other names: c.1165G>A, p.Glu389Lys (NM_001083885.3); c.2311G>A, p.Glu771Lys (NM_001173425.2); c.1261G>A, p.Glu421Lys (NM_001346890.1); short protein forms E421K, E389K, E771K, E772K.
Identifiers: ClinVar variation 2105062 (VCV002105062.4), dbSNP rs1425190568, ClinGen allele CA374619813.
Genomic context (GRCh38, chr9:114,404,000, plus strand): 5'-CCTTGCTACTCCTGCTCTTGGTGGACACCGACTGCCTTCCTCGGCCTGGGGCGCTGGCCT[C>T]TGCCTCGCCAGCATCCACACCACTGTCCTCGCTTAGAGTCTGCCCGCTGTCCGAGAGCTG-3'
Protein context (NP_056219.3, residues 762-782): EDSGVDAGEA[Glu772Lys]ASAPGRGRQS